The following is an entry in ClinVar:

NM_001130987.2(DYSF):c.6320_6321delinsTC (p.Pro2107Leu)

Gene: DYSF (dysferlin; plus strand). Cytogenetic location: 2p13.2.
Variant type: Indel.
Coding change: c.6320_6321delinsTC on transcript NM_001130987.2 (MANE Select); coding-DNA positions 6320 to 6321, CG replaced by TC.
Protein change: p.Pro2107Leu; replaces proline 2107 with leucine.
Molecular consequence: missense variant.
Genome position (GRCh38, 1-based): chr2:71,682,676-71,682,677, CG replaced by TC. VCF-style: chr2-71682676-CG-TC. GRCh37 (hg19) VCF-style: chr2-71909806-CG-TC.
Other names: c.6206_6207delinsTC, p.Pro2069Leu (NM_001130455.2); c.6161_6162delinsTC, p.Pro2054Leu (NM_001130976.2); c.6224_6225delinsTC, p.Pro2075Leu (NM_001130977.2); c.6266_6267delinsTC, p.Pro2089Leu (NM_001130978.2); c.6296_6297delinsTC, p.Pro2099Leu (NM_001130979.2); c.6254_6255delinsTC, p.Pro2085Leu (NM_001130980.2); c.6317_6318delinsTC, p.Pro2106Leu (NM_001130981.2); c.6299_6300delinsTC, p.Pro2100Leu (NM_001130982.2); and 5 more; short protein forms P2089L, P2099L, P2100L, P2055L, P2068L, P2076L, P2106L, P2085L.
Identifiers: ClinVar variation 3657890 (VCV003657890.2).

ClinVar aggregate classification (germline): Uncertain significance (1 of 4 stars; one submission).

Conditions:
Neuromuscular disease caused by qualitative or quantitative defects of dysferlin. Also called: Dysferlinopathy; Qualitative or quantitative defects of dysferlin. Identifiers: Orphanet 207073, MedGen C2931687, MONDO:0016145.

Submission:

Labcorp Genetics (formerly Invitae), Labcorp
Classification: Uncertain significance for Neuromuscular disease caused by qualitative or quantitative defects of dysferlin. Last evaluated: 2024-06-26. Review status: criteria provided, single submitter. Criteria: Invitae Variant Classification Sherloc (09022015). Collection method: clinical testing. Allele origin: germline.
Comment: This sequence change replaces proline, which is neutral and non-polar, with leucine, which is neutral and non-polar, at codon 2068 of the DYSF protein (p.Pro2068Leu). Information on the frequency of this variant in the gnomAD database is not available, as this variant may be reported differently in the database. This missense change has been observed in individual(s) with Miyoshi muscular dystrophy (PMID: 15477515). In at least one individual the data is consistent with being in trans (on the opposite chromosome) from a pathogenic variant. An algorithm developed to predict the effect of missense changes on protein structure and function (PolyPhen-2) suggests that this variant is likely to be disruptive. In summary, the available evidence is currently insufficient to determine the role of this variant in disease. Therefore, it has been classified as a Variant of Uncertain Significance.

Literature cited by the submitters: PubMed 15477515.